The following is an entry in ClinVar:

NM_002224.4(ITPR3):c.104G>A (p.Arg35His)

Gene: ITPR3 (inositol 1,4,5-trisphosphate receptor type 3; plus strand). Cytogenetic location: 6p21.31.
Variant type: single nucleotide variant.
Coding change: c.104G>A on transcript NM_002224.4 (MANE Select); coding-DNA position 104, G replaced by A.
Protein change: p.Arg35His; replaces arginine 35 with histidine.
Molecular consequence: missense variant.
Genome position (GRCh38, 1-based): chr6:33,640,498, G>A. VCF-style: chr6-33640498-G-A. GRCh37 (hg19) VCF-style: chr6-33608275-G-A.
Other names: short protein forms R35H.
Identifiers: ClinVar variation 4688014 (VCV004688014.1), dbSNP rs1472444463.

ClinVar aggregate classification (germline): Uncertain significance (1 of 4 stars; one submission).

Conditions:
Charcot-Marie-Tooth disease, demyelinating, type 1J. Also called: CHARCOT-MARIE-TOOTH NEUROPATHY, DEMYELINATING, TYPE 1J. Identifiers: MedGen C5774249, MONDO:0859311, OMIM 620111.

gnomAD v4.1: 1 of 1,613,378 alleles (0.000062%); highest among the groups gnomAD compares: Non-Finnish European, 0.000085%; no homozygotes.

Submission:

Human Genetics Bochum, Ruhr University Bochum
Classification: Uncertain significance for Charcot-Marie-Tooth disease, demyelinating, type 1J. Last evaluated: 2024-12-19. Review status: criteria provided, single submitter. Criteria: ACMG Guidelines, 2015. Collection method: clinical testing. Allele origin: germline. Affected: yes.
Comment: ACMG criteria used to clasify this variant: PP3_MOD, PM2_SUP, PP2